The following is an entry in ClinVar:

ClinVar aggregate classification (germline): Uncertain significance. Review status: criteria provided, multiple submitters, no conflicts (2 of 4 stars). 2 submissions from 2 submitters: Uncertain significance (2). Last evaluated 2025-06-07.

Conditions:
Agammaglobulinemia 6, autosomal recessive (AGM6). Also called: AGAMMAGLOBULINEMIA 6; AGAMMAGLOBULINEMIA, AUTOSOMAL RECESSIVE, DUE TO CD79B DEFECT. Identifiers: MedGen C3150207, MONDO:0012987, OMIM 612692.

Allele frequency attached by ClinVar (database versions not stated): TOPMed 0.00001; gnomAD 0.00003 and 0.00002; gnomAD exomes 0.00007 and 0.00006; ExAC 0.00006.

Submissions (2):

Ambry Genetics
Classification: Uncertain significance. Last evaluated: 2025-06-07. Review status: criteria provided, single submitter. Criteria: Ambry Variant Classification Scheme 2023. Collection method: clinical testing. Allele origin: germline.

Labcorp Genetics (formerly Invitae), Labcorp
Classification: Uncertain significance for Agammaglobulinemia 6, autosomal recessive. Last evaluated: 2023-12-09. Review status: criteria provided, single submitter. Criteria: Invitae Variant Classification Sherloc (09022015). Collection method: clinical testing. Allele origin: germline.
Comment: This sequence change replaces leucine, which is neutral and non-polar, with proline, which is neutral and non-polar, at codon 91 of the CD79B protein (p.Leu91Pro). This variant is present in population databases (rs779639084, gnomAD 0.05%). This variant has not been reported in the literature in individuals affected with CD79B-related conditions. ClinVar contains an entry for this variant (Variation ID: 847658). Algorithms developed to predict the effect of missense changes on protein structure and function output the following: SIFT: "Not Available"; PolyPhen-2: "Benign"; Align-GVGD: "Not Available". The proline amino acid residue is found in multiple mammalian species, which suggests that this missense change does not adversely affect protein function. In summary, the available evidence is currently insufficient to determine the role of this variant in disease. Therefore, it has been classified as a Variant of Uncertain Significance.

NM_000626.4(CD79B):c.272T>C (p.Leu91Pro)

Genes: CD79B (CD79b molecule; minus strand), GH-LCR (growth hormone locus control region; plus strand). Cytogenetic location: 17q23.3.
Variant type: single nucleotide variant.
Coding change: c.272T>C on transcript NM_000626.4 (MANE Select); coding-DNA position 272, T replaced by C.
Protein change: p.Leu91Pro; replaces leucine 91 with proline.
Molecular consequence: missense variant. On other transcripts: intron variant (2).
Genome position (GRCh38, 1-based): chr17:63,930,232, A>G on the plus strand (T>C on the coding strand, the complement: CD79B is on the minus strand). VCF-style: chr17-63930232-A-G. GRCh37 (hg19) VCF-style: chr17-62007592-A-G.
Other names: c.275T>C, p.Leu92Pro (NM_001039933.3); c.119-344T>C (NM_021602.4); c.122-344T>C (NM_001329050.2); c.272T>C (NM_000626.2); short protein forms L92P, L91P.
Identifiers: ClinVar variation 847658 (VCV000847658.9), dbSNP rs779639084, ClinGen allele CA8708595.